The following is an entry in ClinVar:

NM_000179.3(MSH6):c.370G>A (p.Gly124Arg)

Gene: MSH6 (mutS homolog 6; plus strand). Cytogenetic location: 2p16.3.
Variant type: single nucleotide variant.
Coding change: c.370G>A on transcript NM_000179.3 (MANE Select); coding-DNA position 370, G replaced by A.
Protein change: p.Gly124Arg; replaces glycine 124 with arginine.
Molecular consequence: missense variant. On other transcripts: 5 prime UTR variant (7), non-coding transcript variant (5), intron variant (6).
Genome position (GRCh38, 1-based): chr2:47,791,036, G>A. VCF-style: chr2-47791036-G-A. GRCh37 (hg19) VCF-style: chr2-48018175-G-A.
Other names: c.-367G>A (NM_001281493.2, NM_001406811.1, NM_001406823.1 and 1 more transcripts); c.-533G>A (NM_001281494.2); c.466G>A, p.Gly156Arg (NM_001406795.1, NM_001406802.1); c.370G>A, p.Gly124Arg (NM_001406796.1, NM_001406798.1, NM_001406800.1 and 6 more transcripts); c.73G>A, p.Gly25Arg (NM_001406797.1, NM_001406801.1, NM_001406805.1 and 10 more transcripts); c.292G>A, p.Gly98Arg (NM_001406804.1); c.-559G>A (NM_001406807.1); c.-625G>A (NM_001406814.1); and 6 more; short protein forms G124R, G156R, G25R, G68R, G98R.
Identifiers: ClinVar variation 4800183 (VCV004800183.1).

ClinVar aggregate classification (germline): Uncertain significance (1 of 4 stars; one submission).

Conditions:
Hereditary nonpolyposis colorectal neoplasms. Identifiers: MedGen C0009405, MeSH D003123.

Submission:

Labcorp Genetics (formerly Invitae), Labcorp
Classification: Uncertain significance for Hereditary nonpolyposis colorectal neoplasms. Last evaluated: 2025-07-08. Review status: criteria provided, single submitter. Criteria: Invitae Variant Classification Sherloc (09022015). Collection method: clinical testing. Allele origin: germline.
Comment: This sequence change replaces glycine, which is neutral and non-polar, with arginine, which is basic and polar, at codon 124 of the MSH6 protein (p.Gly124Arg). This variant is not present in population databases (gnomAD no frequency). This variant has not been reported in the literature in individuals affected with MSH6-related conditions. Invitae Evidence Modeling of protein sequence and biophysical properties (such as structural, functional, and spatial information, amino acid conservation, physicochemical variation, residue mobility, and thermodynamic stability) indicates that this missense variant is not expected to disrupt MSH6 protein function with a negative predictive value of 95%. In summary, the available evidence is currently insufficient to determine the role of this variant in disease. Therefore, it has been classified as a Variant of Uncertain Significance.